The following is an entry in ClinVar:

NM_182710.3(KAT5):c.1369G>A (p.Glu457Lys)

Genes: KAT5 (lysine acetyltransferase 5; plus strand), RNASEH2C (ribonuclease H2 subunit C; minus strand). Cytogenetic location: 11q13.1.
Variant type: single nucleotide variant.
Coding change: c.1369G>A on transcript NM_182710.3 (MANE Select); coding-DNA position 1369, G replaced by A.
Protein change: p.Glu457Lys; replaces glutamic acid 457 with lysine.
Molecular consequence: missense variant. On other transcripts: 3 prime UTR variant (1).
Genome position (GRCh38, 1-based): chr11:65,718,694, G>A. VCF-style: chr11-65718694-G-A. GRCh37 (hg19) VCF-style: chr11-65486165-G-A.
Other names: c.1213G>A, p.Glu405Lys (NM_001206833.2); c.1270G>A, p.Glu424Lys (NM_006388.4); c.1114G>A, p.Glu372Lys (NM_182709.3); c.*1089C>T (NM_032193.4); short protein forms E372K, E405K, E424K, E457K.
Identifiers: ClinVar variation 1526175 (VCV001526175.1), dbSNP rs2135645938, ClinGen allele CA381290367.

ClinVar aggregate classification (germline): Uncertain significance (1 of 4 stars; one submission).

Conditions:
Neurodevelopmental disorder with dysmorphic facies, sleep disturbance, and brain abnormalities. Identifiers: MedGen C5436821, MONDO:0030852, OMIM 619103.

Submission:

3billion
Classification: Uncertain significance for Neurodevelopmental disorder with dysmorphic facies, sleep disturbance, and brain abnormalities. Last evaluated: 2022-03-22. Review status: criteria provided, single submitter. Criteria: ACMG Guidelines, 2015. Collection method: clinical testing. Allele origin: germline. Affected: yes. Observed: 1 heterozygote.
Comment: It is not observed in the gnomAD v2.1.1 dataset. A missense variant is a common mechanism . Therefore, this variant is classified as uncertain significance according to the recommendation of ACMG/AMP guideline.